The following is an entry in ClinVar:

ClinVar aggregate classification (germline): Uncertain significance (1 of 4 stars; one submission).

Submission:

GeneDx
Classification: Uncertain significance. Last evaluated: 2014-06-09. Review status: criteria provided, single submitter. Criteria: GeneDx Variant Classification (06012015). Collection method: clinical testing. Allele origin: germline. Affected: yes.
Comment: The c.2254_2268del15ins12 variant has not been published as a disease-causing mutation or as a benign polymorphism, to our knowledge. The c.2254_2268del15ins12 variant results in a deletion of five amino acids and an insertion of four amino acids (V752_N756delinsPFRV). This deletion/insertion event crosses the splice junction; splice prediction algorithms predict that this change may result in creation of a crytpic splice donor site upstream of the natural donor site. This cryptic site, if it occurs in vivo, is predicted to result in the same deletion of five amino acids but an insertion of three amino acids (V752_N756delinsPFR). Mutations in the FLNA gene have been reported to co-segregate in four unrelated families with X-linked recessive nonsyndromic cardiac valvular dystrophy (Kyndt et al., 2007).Therefore, based on the currently available information, it is unclear whether this variant is a pathogenic mutation or a rare benign variant. This variant was found in TAAD,FLNA

NM_001110556.2(FLNA):c.2254_2268delinsCACCCTGAAGGG (p.Val752_Asn756delinsHisProGluGly)

Gene: FLNA (filamin A; minus strand). Cytogenetic location: Xq28.
Variant type: Indel.
Coding change: c.2254_2268delinsCACCCTGAAGGG on transcript NM_001110556.2 (MANE Select); coding-DNA positions 2254 to 2268, GTCAGCATCCCCAAC replaced by CACCCTGAAGGG.
Protein change: p.Val752_Asn756delinsHisProGluGly.
Molecular consequence: inframe indel.
Genome position (GRCh38, 1-based): chrX:154,364,034-154,364,048, GTTGGGGATGCTGAC replaced by CCCTTCAGGGTG on the plus strand (GTCAGCATCCCCAAC replaced by CACCCTGAAGGG on the coding strand, the reverse complement: FLNA is on the minus strand). VCF-style: chrX-154364034-GTTGGGGATGCTGAC-CCCTTCAGGGTG. GRCh37 (hg19) VCF-style: chrX-153592402-GTTGGGGATGCTGAC-CCCTTCAGGGTG.
Identifiers: ClinVar variation 213493 (VCV000213493.1), dbSNP rs863223631, ClinGen allele CA322572.